The following is an entry in ClinVar:

NM_000287.4(PEX6):c.2117_2121dup (p.Gly708fs)

Gene: PEX6 (peroxisomal biogenesis factor 6; minus strand). Cytogenetic location: 6p21.1.
Variant type: Duplication.
Coding change: c.2117_2121dup on transcript NM_000287.4 (MANE Select); coding-DNA positions 2117 to 2121, 5 bases duplicated (ATGTG; older notation c.2117_2121dupATGTG).
Protein change: p.Gly708fs; shifts the reading frame from glycine 708.
Molecular consequence: frameshift variant.
Genome position (GRCh38, 1-based): chr6:42,966,421-42,966,425, CACAT duplicated on the plus strand (ATGTG on the coding strand, the reverse complement: PEX6 is on the minus strand); duplicating any 5 consecutive bases within chr6:42,966,421-42,966,427 gives the same sequence; the c. name uses the placement nearest the transcript's 3' end. VCF-style (leftmost placement, unchanged base first): chr6-42966420-C-CCACAT. GRCh37 (hg19) VCF-style: chr6-42934158-C-CCACAT.
Other names: c.1853_1857dup, p.Gly620fs (NM_001316313.2); short protein forms G620fs, G708fs.
Identifiers: ClinVar variation 5016175 (VCV005016175.1).

ClinVar aggregate classification (germline): Pathogenic (1 of 4 stars; one submission).

Conditions:
Peroxisome biogenesis disorder. Identifiers: Orphanet 79189, MedGen C1832200, MONDO:0019234. Disease mechanism: loss of function.

Submission:

Myriad Genetics, Inc.
Classification: Pathogenic for Peroxisome biogenesis disorder. Last evaluated: 2026-07-28. Review status: criteria provided, single submitter. Criteria: Myriad Autosomal Dominant, Autosomal Recessive and X-Linked Classification Criteria (2023). Collection method: clinical testing. Allele origin: unknown.
Comment: NM_000287.3(PEX6):c.2117_2121dup5(G708Mfs*8) is expected to be pathogenic in the context of peroxisome biogenesis disorder type 4. This variant is predicted to lead to an abnormal or absent protein product due to the creation of a premature termination codon in PEX6, a gene where loss-of-function variants are known to be pathogenic. Please note: this variant was assessed in the context of healthy population screening.